The following is an entry in ClinVar:

ClinVar aggregate classification (germline): Uncertain significance. Review status: criteria provided, single submitter (1 of 4 stars). 2 submissions from 2 submitters: Uncertain significance (1). 1 of the submissions does not count toward it. Last evaluated 2018-01-13.

Conditions:
CATSPER1-related disorder. Also called: CATSPER1-related condition.
Spermatogenic failure 7. Also called: MALE INFERTILITY, NONSYNDROMIC, AUTOSOMAL RECESSIVE. Identifiers: Orphanet 276234, MedGen C2751811, MONDO:0013070, OMIM 612997.

Allele frequency attached by ClinVar (database versions not stated): TOPMed 0.00006; gnomAD exomes 0.00007 and 0.00009; ExAC 0.00008; gnomAD 0.00013 and 0.00014; ESP Exome Variant Server 0.00015.
gnomAD v4.1: 143 of 1,608,428 alleles (0.0089%); highest among the groups gnomAD compares: Non-Finnish European, 0.012%; 1 homozygote.

Submissions (2):

Illumina Laboratory Services, Illumina
Classification: Uncertain significance for Spermatogenic failure 7. Last evaluated: 2018-01-13. Review status: criteria provided, single submitter. Criteria: ICSL Variant Classification Criteria 13 December 2019. Collection method: clinical testing. Allele origin: germline.

PreventionGenetics, part of Exact Sciences
Classification: Likely benign for CATSPER1-related condition. Last evaluated: 2019-03-29. Review status: no assertion criteria provided. Collection method: clinical testing. Allele origin: germline. Not counted in ClinVar's aggregate classification.
Comment: This variant is classified as likely benign based on ACMG/AMP sequence variant interpretation guidelines (Richards et al. 2015 PMID: 25741868, with internal and published modifications).

NM_053054.4(CATSPER1):c.261C>T (p.His87=)

Gene: CATSPER1 (cation channel sperm associated 1; minus strand). Cytogenetic location: 11q13.1.
Variant type: single nucleotide variant.
Coding change: c.261C>T on transcript NM_053054.4 (MANE Select); coding-DNA position 261, C replaced by T.
Protein change: p.His87=; no amino-acid change (histidine 87 retained).
Molecular consequence: synonymous variant.
Genome position (GRCh38, 1-based): chr11:66,026,119, G>A on the plus strand (C>T on the coding strand, the complement: CATSPER1 is on the minus strand). VCF-style: chr11-66026119-G-A. GRCh37 (hg19) VCF-style: chr11-65793590-G-A.
Identifiers: ClinVar variation 877900 (VCV000877900.6), dbSNP rs138438242, ClinGen allele CA6114968.